The following is an entry in ClinVar:

NM_000038.6(APC):c.7405T>C (p.Ser2469Pro)

Gene: APC (APC regulator of Wnt signaling pathway; plus strand). Cytogenetic location: 5q22.2.
Variant type: single nucleotide variant.
Coding change: c.7405T>C on transcript NM_000038.6 (MANE Select); coding-DNA position 7405, T replaced by C.
Protein change: p.Ser2469Pro; replaces serine 2469 with proline.
Molecular consequence: missense variant.
Genome position (GRCh38, 1-based): chr5:112,842,999, T>C. VCF-style: chr5-112842999-T-C. GRCh37 (hg19) VCF-style: chr5-112178696-T-C.
Other names: c.7405T>C, p.Ser2469Pro (NM_001354895.2, NM_001127510.3); c.7459T>C, p.Ser2487Pro (NM_001354896.2); c.7435T>C, p.Ser2479Pro (NM_001354897.2); c.7330T>C, p.Ser2444Pro (NM_001354898.2); c.7321T>C, p.Ser2441Pro (NM_001354899.2); c.7282T>C, p.Ser2428Pro (NM_001354900.2); c.7228T>C, p.Ser2410Pro (NM_001354901.2); c.7132T>C, p.Ser2378Pro (NM_001354902.2); and 5 more; short protein forms S2469P, S2451P, S2428P, S2441P, S2444P, S2368P, S2378P, S2410P.
Identifiers: ClinVar variation 576900 (VCV000576900.12), dbSNP rs1561615239, ClinGen allele CA16037450.
Genomic context (GRCh38, chr5:112,842,999, plus strand): 5'-AGCCCAACCTTAAGAAGAAAATTGGAGGAATCTGCTTCATTTGAATCTCTTTCTCCATCA[T>C]CTAGACCAGCTTCTCCCACTAGGTCCCAGGCACAAACTCCAGTTTTAAGTCCTTCCCTTC-3'
Protein context (NP_000029.2, residues 2459-2479): SASFESLSPS[Ser2469Pro]RPASPTRSQA

ClinVar aggregate classification (germline): Uncertain significance (1 of 4 stars; one submission).

Conditions:
Familial adenomatous polyposis 1 (FAP1). Also called: POLYPOSIS, ADENOMATOUS INTESTINAL; FAMILIAL ADENOMATOUS POLYPOSIS 1, ATTENUATED. Identifiers: MedGen C2713442, MONDO:0021056, OMIM 175100. Disease mechanism: loss of function.

Submission:

Labcorp Genetics (formerly Invitae), Labcorp
Classification: Uncertain significance for Familial adenomatous polyposis 1. Last evaluated: 2023-07-26. Review status: criteria provided, single submitter. Criteria: Invitae Variant Classification Sherloc (09022015). Collection method: clinical testing. Allele origin: germline.
Comment: Advanced modeling of protein sequence and biophysical properties (such as structural, functional, and spatial information, amino acid conservation, physicochemical variation, residue mobility, and thermodynamic stability) performed at Invitae indicates that this missense variant is not expected to disrupt APC protein function. In summary, the available evidence is currently insufficient to determine the role of this variant in disease. Therefore, it has been classified as a Variant of Uncertain Significance. ClinVar contains an entry for this variant (Variation ID: 576900). This variant has not been reported in the literature in individuals affected with APC-related conditions. This variant is not present in population databases (gnomAD no frequency). This sequence change replaces serine, which is neutral and polar, with proline, which is neutral and non-polar, at codon 2469 of the APC protein (p.Ser2469Pro).